The following is an entry in ClinVar:

NM_021922.3(FANCE):c.590C>T (p.Pro197Leu)

Gene: FANCE (FA complementation group E; plus strand). Cytogenetic location: 6p21.31.
Variant type: single nucleotide variant.
Coding change: c.590C>T on transcript NM_021922.3 (MANE Select); coding-DNA position 590, C replaced by T.
Protein change: p.Pro197Leu; replaces proline 197 with leucine.
Molecular consequence: missense variant.
Genome position (GRCh38, 1-based): chr6:35,456,088, C>T. VCF-style: chr6-35456088-C-T. GRCh37 (hg19) VCF-style: chr6-35423865-C-T.
Other names: short protein forms P197L.
Identifiers: ClinVar variation 1517828 (VCV001517828.8), dbSNP rs2150891086, ClinGen allele CA363773234.

ClinVar aggregate classification (germline): Uncertain significance (1 of 4 stars; one submission).

Conditions:
Fanconi anemia complementation group E (FANCE). Also called: FANCE-Related Fanconi Anemia. Identifiers: Orphanet 84, MedGen C3160739, MONDO:0010953, OMIM 600901.

Submission:

Labcorp Genetics (formerly Invitae), Labcorp
Classification: Uncertain significance for Fanconi anemia complementation group E. Last evaluated: 2021-03-20. Review status: criteria provided, single submitter. Criteria: Invitae Variant Classification Sherloc (09022015). Collection method: clinical testing. Allele origin: germline.
Comment: In summary, the available evidence is currently insufficient to determine the role of this variant in disease. Therefore, it has been classified as a Variant of Uncertain Significance. Algorithms developed to predict the effect of missense changes on protein structure and function output the following: SIFT: "Tolerated"; PolyPhen-2: "Benign"; Align-GVGD: "Class C0". The leucine amino acid residue is found in multiple mammalian species, suggesting that this missense change does not adversely affect protein function. These predictions have not been confirmed by published functional studies and their clinical significance is uncertain. This variant has not been reported in the literature in individuals with FANCE-related conditions. This variant is not present in population databases (ExAC no frequency). This sequence change replaces proline with leucine at codon 197 of the FANCE protein (p.Pro197Leu). The proline residue is moderately conserved and there is a moderate physicochemical difference between proline and leucine.